The following is an entry in ClinVar:

NM_013319.3(UBIAD1):c.*148A>G

Gene: UBIAD1 (UbiA prenyltransferase domain containing 1; plus strand). Cytogenetic location: 1p36.22.
Variant type: single nucleotide variant.
Coding change: c.*148A>G on transcript NM_013319.3 (MANE Select); 148 bases downstream of the stop codon, A replaced by G.
Molecular consequence: 3 prime UTR variant. On other transcripts: intron variant (2).
Genome position (GRCh38, 1-based): chr1:11,286,279, A>G. VCF-style: chr1-11286279-A-G. GRCh37 (hg19) VCF-style: chr1-11346336-A-G.
Other names: NC_000001.10:g.11346336A>G; c.618+547A>G (NM_001330349.2); c.530-8594A>G (NM_001330350.2).
Identifiers: ClinVar variation 291872 (VCV000291872.7), dbSNP rs11580061, ClinGen allele CA10607384.

ClinVar aggregate classification (germline): Benign. Review status: criteria provided, multiple submitters, no conflicts (2 of 4 stars). 2 submissions from 2 submitters: Benign (2). Last evaluated 2018-01-12.

Conditions:
Schnyder crystalline corneal dystrophy (SCCD). Also called: Schnyder corneal dystrophy; Crystalline corneal dystrophy. Identifiers: Orphanet 98967, MedGen C0271287, MONDO:0007374, OMIM 121800.

Allele frequency attached by ClinVar (database versions not stated): 1000 Genomes Project 0.00919; 1000 Genomes Project 30x 0.00953; TOPMed 0.02351; gnomAD 0.02366 and 0.02447; gnomAD exomes 0.03277.
gnomAD v4.1: 31,925 of 1,020,468 alleles (3.1%); highest among the groups gnomAD compares: Middle Eastern, 4.2%; 643 homozygotes.

Submissions (14):

Illumina Laboratory Services, Illumina
Classification: Benign for Schnyder crystalline corneal dystrophy. Last evaluated: 2018-01-12. Review status: criteria provided, single submitter. Criteria: ICSL Variant Classification Criteria 13 December 2019. Collection method: clinical testing. Allele origin: germline.
Comment: This variant was observed in the ICSL laboratory as part of a predisposition screen in an ostensibly healthy population. It had not been previously curated by ICSL or reported in the Human Gene Mutation Database (HGMD: prior to June 1st, 2018), and was therefore a candidate for classification through an automated scoring system. Utilizing variant allele frequency, disease prevalence and penetrance estimates, and inheritance mode, an automated score was calculated to assess if this variant is too frequent to cause the disease. Based on the score and internal cut-off values, a variant classified as benign is not then subjected to further curation. The score for this variant resulted in a classification of benign for this disease.

Breakthrough Genomics
Classification: Benign. Review status: criteria provided, single submitter. Criteria: ACMG Guidelines, 2015. Collection method: not provided. Allele origin: germline. Inheritance: Autosomal dominant inheritance. Affected: yes.

Dr. Peter K. Rogan Lab, Western University
No classification provided (evidence only). Condition: Gastric cancer. Review status: no classification provided. Collection method: in vitro. Allele origin: not applicable. Functional consequence: retained intron. Not counted in ClinVar's aggregate classification.

Dr. Peter K. Rogan Lab, Western University
No classification provided (evidence only). Condition: Chronic lymphocytic leukemia/small lymphocytic lymphoma. Review status: no classification provided. Collection method: in vitro. Allele origin: not applicable. Functional consequence: retained intron. Not counted in ClinVar's aggregate classification.

Dr. Peter K. Rogan Lab, Western University
No classification provided (evidence only). Condition: Lung cancer. Review status: no classification provided. Collection method: in vitro. Allele origin: not applicable. Functional consequence: retained intron. Not counted in ClinVar's aggregate classification.

Dr. Peter K. Rogan Lab, Western University
No classification provided (evidence only). Condition: Chronic lymphocytic leukemia/small lymphocytic lymphoma. Review status: no classification provided. Collection method: in vitro. Allele origin: not applicable. Functional consequence: retained intron. Not counted in ClinVar's aggregate classification.

Dr. Peter K. Rogan Lab, Western University
No classification provided (evidence only). Condition: Nonpapillary renal cell carcinoma. Review status: no classification provided. Collection method: in vitro. Allele origin: not applicable. Functional consequence: retained intron. Not counted in ClinVar's aggregate classification.

Dr. Peter K. Rogan Lab, Western University
No classification provided (evidence only). Condition: Acute myeloid leukemia. Review status: no classification provided. Collection method: in vitro. Allele origin: not applicable. Functional consequence: retained intron. Not counted in ClinVar's aggregate classification.

Dr. Peter K. Rogan Lab, Western University
No classification provided (evidence only). Condition: Cervical cancer. Review status: no classification provided. Collection method: in vitro. Allele origin: not applicable. Functional consequence: retained intron. Not counted in ClinVar's aggregate classification.

Dr. Peter K. Rogan Lab, Western University
No classification provided (evidence only). Condition: Familial pancreatic carcinoma. Review status: no classification provided. Collection method: in vitro. Allele origin: not applicable. Functional consequence: retained intron. Not counted in ClinVar's aggregate classification.

Dr. Peter K. Rogan Lab, Western University
No classification provided (evidence only). Condition: Familial pancreatic carcinoma. Review status: no classification provided. Collection method: in vitro. Allele origin: not applicable. Functional consequence: retained intron. Not counted in ClinVar's aggregate classification.

Dr. Peter K. Rogan Lab, Western University
No classification provided (evidence only). Condition: Sarcoma. Review status: no classification provided. Collection method: in vitro. Allele origin: not applicable. Functional consequence: retained intron. Not counted in ClinVar's aggregate classification.

Dr. Peter K. Rogan Lab, Western University
No classification provided (evidence only). Condition: Cholangiocarcinoma. Review status: no classification provided. Collection method: in vitro. Allele origin: not applicable. Functional consequence: retained intron. Not counted in ClinVar's aggregate classification.

Dr. Peter K. Rogan Lab, Western University
No classification provided (evidence only). Condition: Familial pancreatic carcinoma. Review status: no classification provided. Collection method: in vitro. Allele origin: not applicable. Functional consequence: retained intron. Not counted in ClinVar's aggregate classification.